The following is an entry in ClinVar:

ClinVar aggregate classification (germline): Conflicting classifications of pathogenicity. Review status: criteria provided, conflicting classifications (1 of 4 stars). 7 submissions from 7 submitters: Uncertain significance (2); Likely benign (5). Last evaluated 2026-01-27.

Conditions:
Autosomal recessive nonsyndromic hearing loss 3. Also called: NEUROSENSORY NONSYNDROMIC RECESSIVE DEAFNESS 3. Identifiers: Orphanet 90636, MedGen C1838263, MONDO:0010860, OMIM 600316.

Allele frequency attached by ClinVar (database versions not stated): gnomAD exomes 0.00069 and 0.00100; 1000 Genomes Project 0.00080; gnomAD 0.00087 and 0.00088; ExAC 0.00088; 1000 Genomes Project 30x 0.00109; TOPMed 0.00125.
gnomAD v4.1: 1,117 of 1,494,876 alleles (0.075%); highest among the groups gnomAD compares: Middle Eastern, 0.84%; 1 homozygote.

Submissions (7):

Labcorp Genetics (formerly Invitae), Labcorp
Classification: Likely benign. Last evaluated: 2026-01-27. Review status: criteria provided, single submitter. Criteria: Invitae Variant Classification Sherloc (09022015). Collection method: clinical testing. Allele origin: germline.

CeGaT Center for Human Genetics Tuebingen
Classification: Likely benign. Last evaluated: 2025-02-01. Review status: criteria provided, single submitter. Criteria: CeGaT Center For Human Genetics Tuebingen Variant Classification Criteria Version 2. Collection method: clinical testing. Allele origin: germline. Affected: yes. Observed: 7 variant alleles.
Comment: MYO15A: BP4, BP7

Blueprint Genetics
Classification: Likely benign. Last evaluated: 2024-10-22. Review status: criteria provided, single submitter. Criteria: ACMG Guidelines, 2015. Collection method: clinical testing. Allele origin: germline.

Illumina Laboratory Services, Illumina
Classification: Uncertain significance for Autosomal recessive nonsyndromic hearing loss 3. Last evaluated: 2018-01-13. Review status: criteria provided, single submitter. Criteria: ICSL Variant Classification Criteria 13 December 2019. Collection method: clinical testing. Allele origin: germline.

GeneDx
Classification: Likely benign. Last evaluated: 2017-10-17. Review status: criteria provided, single submitter. Criteria: GeneDx Variant Classification (06012015). Collection method: clinical testing. Allele origin: germline. Affected: yes.
Comment: This variant is considered likely benign or benign based on one or more of the following criteria: it is a conservative change, it occurs at a poorly conserved position in the protein, it is predicted to be benign by multiple in silico algorithms, and/or has population frequency not consistent with disease.

Eurofins Ntd Llc (ga)
Classification: Uncertain significance. Last evaluated: 2016-06-22. Review status: criteria provided, single submitter. Criteria: EGL Classification Definitions 2015. Collection method: clinical testing. Allele origin: germline. Observed: 2 variant alleles, 2 heterozygotes.

Laboratory for Molecular Medicine, Mass General Brigham Personalized Medicine
Classification: Likely benign. Last evaluated: 2015-06-11. Review status: criteria provided, single submitter. Criteria: LMM Criteria. Collection method: clinical testing. Allele origin: germline. Observed: 1 variant allele.
Comment: p.Phe806Phe in exon 2 of MYO15A: This variant is not expected to have clinical s ignificance because it does not alter an amino acid residue and is not located w ithin the splice consensus sequence. It has been identified in 0.09% (10/11406) of chromosomes by the Exome Aggregation Consortium (ExAC; dbSNP rs564053026).

NM_016239.4(MYO15A):c.2418C>T (p.Phe806=)

Gene: MYO15A (myosin XVA; plus strand). Cytogenetic location: 17p11.2.
Variant type: single nucleotide variant.
Coding change: c.2418C>T on transcript NM_016239.4 (MANE Select); coding-DNA position 2418, C replaced by T.
Protein change: p.Phe806=; no amino-acid change (phenylalanine 806 retained).
Molecular consequence: synonymous variant.
Genome position (GRCh38, 1-based): chr17:18,121,218, C>T. VCF-style: chr17-18121218-C-T. GRCh37 (hg19) VCF-style: chr17-18024532-C-T.
Identifiers: ClinVar variation 195312 (VCV000195312.54), dbSNP rs564053026, ClinGen allele CA241684.